The following is an entry in ClinVar:

ClinVar aggregate classification (germline): Uncertain significance (1 of 4 stars; one submission).

Submission:

GeneDx
Classification: Uncertain significance. Last evaluated: 2019-04-15. Review status: criteria provided, single submitter. Criteria: GeneDx Variant Classification Process June 2021. Collection method: clinical testing. Allele origin: germline. Affected: yes.
Comment: Has not been previously published as pathogenic or benign to our knowledge; In silico analysis, which includes protein predictors and evolutionary conservation, supports that this variant does not alter protein structure/function; However, In silico analysis using splice predictors suggests this variant may impact gene splicing. In the absence of RNA/functional studies, the actual effect of this sequence change is unknown.; Not observed in large population cohorts (Lek et al., 2016)

NM_000836.4(GRIN2D):c.221_226delinsGGGCGA (p.Ala74_Ala76delinsGlyAlaThr)

Gene: GRIN2D (glutamate ionotropic receptor NMDA type subunit 2D; plus strand). Cytogenetic location: 19q13.33.
Variant type: Indel.
Coding change: c.221_226delinsGGGCGA on transcript NM_000836.4 (MANE Select); coding-DNA positions 221 to 226, CGGCGG replaced by GGGCGA.
Protein change: p.Ala74_Ala76delinsGlyAlaThr.
Molecular consequence: missense variant.
Genome position (GRCh38, 1-based): chr19:48,398,613-48,398,618, CGGCGG replaced by GGGCGA. VCF-style: chr19-48398613-CGGCGG-GGGCGA. GRCh37 (hg19) VCF-style: chr19-48901870-CGGCGG-GGGCGA.
Identifiers: ClinVar variation 1305331 (VCV001305331.2), dbSNP rs2147434412, ClinGen allele CA2573054800.